The following is an entry in ClinVar:

NM_004995.4(MMP14):c.1085G>A (p.Arg362Gln)

Gene: MMP14 (matrix metallopeptidase 14; plus strand). Cytogenetic location: 14q11.2.
Variant type: single nucleotide variant.
Coding change: c.1085G>A on transcript NM_004995.4 (MANE Select); coding-DNA position 1085, G replaced by A.
Protein change: p.Arg362Gln; replaces arginine 362 with glutamine.
Molecular consequence: missense variant.
Genome position (GRCh38, 1-based): chr14:22,844,444, G>A. VCF-style: chr14-22844444-G-A. GRCh37 (hg19) VCF-style: chr14-23313653-G-A.
Other names: short protein forms R362Q.
Identifiers: ClinVar variation 3396994 (VCV003396994.3).

ClinVar aggregate classification (germline): Uncertain significance. Review status: criteria provided, multiple submitters, no conflicts (2 of 4 stars). 2 submissions from 2 submitters: Uncertain significance (2). Last evaluated 2024-11-20.

Conditions:
Inborn genetic diseases. Identifiers: MedGen C0950123, MeSH D030342.

gnomAD v4.1: 59 of 1,614,126 alleles (0.0037%); highest among the groups gnomAD compares: Middle Eastern, 0.016%; no homozygotes.

Submissions (2):

Ambry Genetics
Classification: Uncertain significance for Inborn genetic diseases. Last evaluated: 2024-11-20. Review status: criteria provided, single submitter. Criteria: Ambry Variant Classification Scheme 2023. Collection method: clinical testing. Allele origin: germline.

Labcorp Genetics (formerly Invitae), Labcorp
Classification: Uncertain significance. Last evaluated: 2024-04-22. Review status: criteria provided, single submitter. Criteria: Invitae Variant Classification Sherloc (09022015). Collection method: clinical testing. Allele origin: germline.
Comment: This sequence change replaces arginine, which is basic and polar, with glutamine, which is neutral and polar, at codon 362 of the MMP14 protein (p.Arg362Gln). This variant is present in population databases (rs535348638, gnomAD 0.009%). This variant has not been reported in the literature in individuals affected with MMP14-related conditions. Advanced modeling of protein sequence and biophysical properties (such as structural, functional, and spatial information, amino acid conservation, physicochemical variation, residue mobility, and thermodynamic stability) performed at Invitae indicates that this missense variant is not expected to disrupt MMP14 protein function with a negative predictive value of 80%. In summary, the available evidence is currently insufficient to determine the role of this variant in disease. Therefore, it has been classified as a Variant of Uncertain Significance.